The following is an entry in ClinVar:

ClinVar aggregate classification (germline): Uncertain significance (1 of 4 stars; one submission).

gnomAD v4.1: 1 of 1,614,150 alleles (0.000062%); highest among the groups gnomAD compares: Non-Finnish European, 0.000085%; no homozygotes.

Submission:

Ambry Genetics
Classification: Uncertain significance. Last evaluated: 2024-04-07. Review status: criteria provided, single submitter. Criteria: Ambry Variant Classification Scheme 2023. Collection method: clinical testing. Allele origin: germline.
Comment: The p.F1904S variant (also known as c.5711T>C), located in coding exon 8 of the ALPK2 gene, results from a T to C substitution at nucleotide position 5711. The phenylalanine at codon 1904 is replaced by serine, an amino acid with highly dissimilar properties. This amino acid position is conserved. In addition, the in silico prediction for this alteration is inconclusive. Based on the available evidence, the clinical significance of this variant remains unclear.

NM_052947.4(ALPK2):c.5711T>C (p.Phe1904Ser)

Gene: ALPK2 (alpha kinase 2; minus strand). Cytogenetic location: 18q21.31.
Variant type: single nucleotide variant.
Coding change: c.5711T>C on transcript NM_052947.4 (MANE Select); coding-DNA position 5711, T replaced by C.
Protein change: p.Phe1904Ser; replaces phenylalanine 1904 with serine.
Molecular consequence: missense variant.
Genome position (GRCh38, 1-based): chr18:58,517,137, A>G on the plus strand (T>C on the coding strand, the complement: ALPK2 is on the minus strand). VCF-style: chr18-58517137-A-G. GRCh37 (hg19) VCF-style: chr18-56184369-A-G.
Other names: short protein forms F1904S.
Identifiers: ClinVar variation 3290006 (VCV003290006.1).